The following is an entry in ClinVar:

NM_000238.4(KCNH2):c.2594C>G (p.Thr865Ser)

Gene: KCNH2 (potassium voltage-gated channel subfamily H member 2; minus strand). Cytogenetic location: 7q36.1.
Variant type: single nucleotide variant.
Coding change: c.2594C>G on transcript NM_000238.4 (MANE Select); coding-DNA position 2594, C replaced by G.
Protein change: p.Thr865Ser; replaces threonine 865 with serine.
Molecular consequence: missense variant. On other transcripts: non-coding transcript variant (2).
Genome position (GRCh38, 1-based): chr7:150,948,542, G>C on the plus strand (C>G on the coding strand, the complement: KCNH2 is on the minus strand). VCF-style: chr7-150948542-G-C. GRCh37 (hg19) VCF-style: chr7-150645630-G-C.
Other names: c.2306C>G, p.Thr769Ser (NM_001406753.1); c.1574C>G, p.Thr525Ser (NM_172057.3); short protein forms T525S, T769S, T865S.
Identifiers: ClinVar variation 4858632 (VCV004858632.1).

ClinVar aggregate classification (germline): Uncertain significance (1 of 4 stars; one submission).

Conditions:
Cardiovascular phenotype. Identifiers: MedGen CN230736.

gnomAD v4.1: 2 of 1,613,438 alleles (0.00012%); highest among the groups gnomAD compares: South Asian, 0.0022%; no homozygotes.

Submission:

Ambry Genetics
Classification: Uncertain significance for Cardiovascular phenotype. Last evaluated: 2026-03-21. Review status: criteria provided, single submitter. Criteria: Ambry Variant Classification Scheme 2023. Collection method: clinical testing. Allele origin: germline.
Comment: The p.T865S variant (also known as c.2594C>G), located in coding exon 11 of the KCNH2 gene, results from a C to G substitution at nucleotide position 2594. The threonine at codon 865 is replaced by serine, an amino acid with similar properties. This amino acid position is conserved. In addition, this alteration is predicted to be deleterious by in silico analysis. Based on the available evidence, the clinical significance of this variant remains unclear.